The following is an entry in ClinVar:

NM_001040716.2(PC):c.197T>C (p.Ile66Thr)

Gene: PC (pyruvate carboxylase; minus strand). Cytogenetic location: 11q13.2.
Variant type: single nucleotide variant.
Coding change: c.197T>C on transcript NM_001040716.2 (MANE Select); coding-DNA position 197, T replaced by C.
Protein change: p.Ile66Thr; replaces isoleucine 66 with threonine.
Molecular consequence: missense variant.
Genome position (GRCh38, 1-based): chr11:66,871,811, A>G on the plus strand (T>C on the coding strand, the complement: PC is on the minus strand). VCF-style: chr11-66871811-A-G. GRCh37 (hg19) VCF-style: chr11-66639282-A-G.
Other names: c.197T>C, p.Ile66Thr (NM_001439359.1, NM_022172.3, NM_000920.4 and 5 more transcripts); short protein forms I66T.
Identifiers: ClinVar variation 4800439 (VCV004800439.2).

ClinVar aggregate classification (germline): Conflicting classifications of pathogenicity. Review status: criteria provided, conflicting classifications (1 of 4 stars). 2 submissions from 2 submitters: Likely pathogenic (1); Uncertain significance (1). Last evaluated 2026-04-07.

Conditions:
Pyruvate carboxylase deficiency. Also called: ATAXIA WITH LACTIC ACIDOSIS II; LEIGH NECROTIZING ENCEPHALOPATHY DUE TO PYRUVATE CARBOXYLASE DEFICIENCY; LEIGH SYNDROME DUE TO PYRUVATE CARBOXYLASE DEFICIENCY; Pyruvate Carboxylase Deficiency Disease; PC DEFICIENCY. Identifiers: Orphanet 3008, MedGen C0034341, MONDO:0009949, OMIM 266150.

gnomAD v4.1: 1 of 1,609,320 alleles (0.000062%); highest among the groups gnomAD compares: Non-Finnish European, 0.000085%; no homozygotes.

Submissions (2):

Institute of Human Genetics, University of Leipzig Medical Center
Classification: Likely pathogenic for Pyruvate carboxylase deficiency. Last evaluated: 2026-04-07. Review status: criteria provided, single submitter. Criteria: ACMG Guidelines, 2015. Collection method: clinical testing. Allele origin: unknown. Inheritance: Autosomal recessive inheritance. Affected: yes.
Comment: Criteria applied: PM2,PM3_SUP,PP4,PP2,PP3

Labcorp Genetics (formerly Invitae), Labcorp
Classification: Uncertain significance for Pyruvate carboxylase deficiency. Last evaluated: 2025-11-17. Review status: criteria provided, single submitter. Criteria: Invitae Variant Classification Sherloc (09022015). Collection method: clinical testing. Allele origin: germline.
Comment: This sequence change replaces isoleucine, which is neutral and non-polar, with threonine, which is neutral and polar, at codon 66 of the PC protein (p.Ile66Thr). This variant is not present in population databases (gnomAD no frequency). This variant has not been reported in the literature in individuals affected with PC-related conditions. Invitae Evidence Modeling of protein sequence and biophysical properties (such as structural, functional, and spatial information, amino acid conservation, physicochemical variation, residue mobility, and thermodynamic stability) has been performed for this missense variant. However, the output from this modeling did not meet the statistical confidence thresholds required to predict the impact of this variant on PC protein function. In summary, the available evidence is currently insufficient to determine the role of this variant in disease. Therefore, it has been classified as a Variant of Uncertain Significance.